The following is an entry in ClinVar:

NM_014587.5(SOX8):c.1032C>T (p.Ser344=)

Gene: SOX8 (SRY-box transcription factor 8; plus strand). Cytogenetic location: 16p13.3.
Variant type: single nucleotide variant.
Coding change: c.1032C>T on transcript NM_014587.5 (MANE Select); coding-DNA position 1032, C replaced by T.
Protein change: p.Ser344=; no amino-acid change (serine 344 retained).
Molecular consequence: synonymous variant.
Genome position (GRCh38, 1-based): chr16:985,077, C>T. VCF-style: chr16-985077-C-T. GRCh37 (hg19) VCF-style: chr16-1035077-C-T.
Identifiers: ClinVar variation 3060687 (VCV003060687.2), dbSNP rs11542179, ClinGen allele CA7798320.

ClinVar aggregate classification (germline): Benign (0 of 4 stars; one submission).

Conditions:
SOX8-related disorder. Also called: SOX8-related condition.

Allele frequency attached by ClinVar (database versions not stated): ESP Exome Variant Server 0.11882; gnomAD 0.15440; TOPMed 0.16513; 1000 Genomes Project 0.21226; 1000 Genomes Project 30x 0.21377; ExAC 0.24453.

Submission:

PreventionGenetics, part of Exact Sciences
Classification: Benign for SOX8-related condition. Last evaluated: 2019-10-24. Review status: no assertion criteria provided. Collection method: clinical testing. Allele origin: germline.
Comment: This variant is classified as benign based on ACMG/AMP sequence variant interpretation guidelines (Richards et al. 2015 PMID: 25741868, with internal and published modifications).